The following is an entry in ClinVar:

NM_033305.3(VPS13A):c.5663T>G (p.Ile1888Ser)

Gene: VPS13A (vacuolar protein sorting 13 homolog A; plus strand). Cytogenetic location: 9q21.2.
Variant type: single nucleotide variant.
Coding change: c.5663T>G on transcript NM_033305.3 (MANE Select); coding-DNA position 5663, T replaced by G.
Protein change: p.Ile1888Ser; replaces isoleucine 1888 with serine.
Molecular consequence: missense variant.
Genome position (GRCh38, 1-based): chr9:77,321,579, T>G. VCF-style: chr9-77321579-T-G. GRCh37 (hg19) VCF-style: chr9-79936495-T-G.
Other names: c.5546T>G, p.Ile1849Ser (NM_001018037.2); c.5663T>G, p.Ile1888Ser (NM_001018038.3, NM_015186.4); c.5663T>G (NM_033305.2); short protein forms I1849S, I1888S.
Identifiers: ClinVar variation 2085962 (VCV002085962.3), dbSNP rs78251065, ClinGen allele CA5092828.

ClinVar aggregate classification (germline): Conflicting classifications of pathogenicity. Review status: criteria provided, conflicting classifications (1 of 4 stars). 2 submissions from 2 submitters: Uncertain significance (1); Likely benign (1). Last evaluated 2023-09-14.

Conditions:
Inborn genetic diseases. Identifiers: MedGen C0950123, MeSH D030342.

Allele frequency attached by ClinVar (database versions not stated): gnomAD exomes 0.00001; ExAC 0.00004; TOPMed 0.00005; gnomAD 0.00006; 1000 Genomes Project 0.00040; 1000 Genomes Project 30x 0.00047.
gnomAD v4.1: 27 of 1,613,472 alleles (0.0017%); highest among the groups gnomAD compares: East Asian, 0.06%; no homozygotes.

Submissions (2):

Ambry Genetics
Classification: Likely benign for Inborn genetic diseases. Last evaluated: 2023-09-14. Review status: criteria provided, single submitter. Criteria: Ambry Variant Classification Scheme 2023. Collection method: clinical testing. Allele origin: germline.

Labcorp Genetics (formerly Invitae), Labcorp
Classification: Uncertain significance. Last evaluated: 2021-09-24. Review status: criteria provided, single submitter. Criteria: Invitae Variant Classification Sherloc (09022015). Collection method: clinical testing. Allele origin: germline.
Comment: This sequence change replaces isoleucine with serine at codon 1888 of the VPS13A protein (p.Ile1888Ser). The isoleucine residue is weakly conserved and there is a large physicochemical difference between isoleucine and serine. This variant is present in population databases (rs78251065, ExAC 0.06%). This variant has not been reported in the literature in individuals with VPS13A-related disease. Algorithms developed to predict the effect of missense changes on protein structure and function are either unavailable or do not agree on the potential impact of this missense change (SIFT: "Deleterious"; PolyPhen-2: "Benign"; Align-GVGD: "Class C0"). Algorithms developed to predict the effect of sequence changes on RNA splicing suggest that this variant may create or strengthen a splice site, but this prediction has not been confirmed by published transcriptional studies. In summary, the available evidence is currently insufficient to determine the role of this variant in disease. Therefore, it has been classified as a Variant of Uncertain Significance.